The following is an entry in ClinVar:

NM_015915.5(ATL1):c.1415T>G (p.Ile472Ser)

Gene: ATL1 (atlastin GTPase 1; plus strand). Cytogenetic location: 14q22.1.
Variant type: single nucleotide variant.
Coding change: c.1415T>G on transcript NM_015915.5 (MANE Select); coding-DNA position 1415, T replaced by G.
Protein change: p.Ile472Ser; replaces isoleucine 472 with serine.
Molecular consequence: missense variant.
Genome position (GRCh38, 1-based): chr14:50,628,326, T>G. VCF-style: chr14-50628326-T-G. GRCh37 (hg19) VCF-style: chr14-51095044-T-G.
Other names: c.1415T>G, p.Ile472Ser (NM_001127713.1, NM_181598.4); short protein forms I472S.
Identifiers: ClinVar variation 2044136 (VCV002044136.4), dbSNP rs776586105, ClinGen allele CA7180477.

ClinVar aggregate classification (germline): Uncertain significance (1 of 4 stars; one submission).

Conditions:
Hereditary spastic paraplegia 3A (SPG3A). Also called: Spastic paraplegia 3A, autosomal dominant; SPASTIC PARAPLEGIA 3, AUTOSOMAL DOMINANT; FAMILIAL SPASTIC PARAPLEGIA, AUTOSOMAL DOMINANT, 1; SPG3; STRUMPELL DISEASE; Spastic Paraplegia 3A. Identifiers: Orphanet 100984, MedGen C2931355, MONDO:0008437, OMIM 182600.

Allele frequency attached by ClinVar (database versions not stated): ExAC 0.00001.

Submission:

Labcorp Genetics (formerly Invitae), Labcorp
Classification: Uncertain significance for Hereditary spastic paraplegia 3A. Last evaluated: 2023-05-05. Review status: criteria provided, single submitter. Criteria: Invitae Variant Classification Sherloc (09022015). Collection method: clinical testing. Allele origin: germline.
Comment: This sequence change replaces isoleucine, which is neutral and non-polar, with serine, which is neutral and polar, at codon 472 of the ATL1 protein (p.Ile472Ser). This variant is present in population databases (rs776586105, gnomAD 0.0009%). In summary, the available evidence is currently insufficient to determine the role of this variant in disease. Therefore, it has been classified as a Variant of Uncertain Significance. Advanced modeling of protein sequence and biophysical properties (such as structural, functional, and spatial information, amino acid conservation, physicochemical variation, residue mobility, and thermodynamic stability) performed at Invitae indicates that this missense variant is not expected to disrupt ATL1 protein function. ClinVar contains an entry for this variant (Variation ID: 2044136). This variant has not been reported in the literature in individuals affected with ATL1-related conditions.